The following is an entry in ClinVar:

NM_006186.4(NR4A2):c.806A>G (p.Asn269Ser)

Gene: NR4A2 (nuclear receptor subfamily 4 group A member 2; minus strand). Cytogenetic location: 2q24.1.
Variant type: single nucleotide variant.
Coding change: c.806A>G on transcript NM_006186.4 (MANE Select); coding-DNA position 806, A replaced by G.
Protein change: p.Asn269Ser; replaces asparagine 269 with serine.
Molecular consequence: missense variant.
Genome position (GRCh38, 1-based): chr2:156,329,381, T>C on the plus strand (A>G on the coding strand, the complement: NR4A2 is on the minus strand). VCF-style: chr2-156329381-T-C. GRCh37 (hg19) VCF-style: chr2-157185893-T-C.
Other names: c.617A>G, p.Asn206Ser (NM_173173.3); short protein forms N206S, N269S.
Identifiers: ClinVar variation 3369756 (VCV003369756.1).
Genomic context (GRCh38, chr2:156,329,381, plus strand): 5'-ACCTTAAAGAAGCCTTTGCAGCCCTCACAGGTGCGCACGCCGTAGTGTTGGCAGGCCGCG[T>C]TGTCCCCACACACAGCGCACAGCCCCTCGTTGGAGGGGGAGCCCCGCGACGGCGGTGAGG-3'
Protein context (NP_006177.1, residues 259-279): NEGLCAVCGD[Asn269Ser]AACQHYGVRT

ClinVar aggregate classification (germline): Uncertain significance (1 of 4 stars; one submission).

Submission:

GeneDx
Classification: Uncertain significance. Last evaluated: 2024-02-26. Review status: criteria provided, single submitter. Criteria: GeneDx Variant Classification Process June 2021. Collection method: clinical testing. Allele origin: germline. Affected: yes.
Comment: Not observed at significant frequency in large population cohorts (gnomAD); In silico analysis supports that this missense variant has a deleterious effect on protein structure/function; Has not been previously published as pathogenic or benign to our knowledge